The following is an entry in ClinVar:

ClinVar aggregate classification (germline): Uncertain significance (1 of 4 stars; one submission).

Conditions:
Hyperammonemia, type III (NAGSD). Also called: Hyperammonemia due to N-acetylglutamate synthase deficiency. Identifiers: Orphanet 927, MedGen C0268543, MONDO:0009377, OMIM 237310.

gnomAD v4.1: 49 of 1,602,372 alleles (0.0031%); highest among the groups gnomAD compares: Non-Finnish European, 0.0041%; no homozygotes.

Submission:

Labcorp Genetics (formerly Invitae), Labcorp
Classification: Uncertain significance for Hyperammonemia, type III. Last evaluated: 2024-07-12. Review status: criteria provided, single submitter. Criteria: Invitae Variant Classification Sherloc (09022015). Collection method: clinical testing. Allele origin: germline.
Comment: This sequence change replaces serine, which is neutral and polar, with asparagine, which is neutral and polar, at codon 448 of the NAGS protein (p.Ser448Asn). The frequency data for this variant in the population databases is considered unreliable, as metrics indicate poor data quality at this position in the gnomAD database. This variant has not been reported in the literature in individuals affected with NAGS-related conditions. An algorithm developed to predict the effect of missense changes on protein structure and function outputs the following: PolyPhen-2: "Benign". The asparagine amino acid residue is found in multiple mammalian species, which suggests that this missense change does not adversely affect protein function. In summary, the available evidence is currently insufficient to determine the role of this variant in disease. Therefore, it has been classified as a Variant of Uncertain Significance.

NM_153006.3(NAGS):c.1343G>A (p.Ser448Asn)

Gene: NAGS (N-acetylglutamate synthase; plus strand). Cytogenetic location: 17q21.31.
Variant type: single nucleotide variant.
Coding change: c.1343G>A on transcript NM_153006.3 (MANE Select); coding-DNA position 1343, G replaced by A.
Protein change: p.Ser448Asn; replaces serine 448 with asparagine.
Molecular consequence: missense variant.
Genome position (GRCh38, 1-based): chr17:44,007,665, G>A. VCF-style: chr17-44007665-G-A. GRCh37 (hg19) VCF-style: chr17-42085033-G-A.
Other names: short protein forms S448N.
Identifiers: ClinVar variation 3665473 (VCV003665473.1).